The following is an entry in ClinVar:

NM_004525.3(LRP2):c.11729G>A (p.Gly3910Glu)

Gene: LRP2 (LDL receptor related protein 2; minus strand). Cytogenetic location: 2q31.1.
Variant type: single nucleotide variant.
Coding change: c.11729G>A on transcript NM_004525.3 (MANE Select); coding-DNA position 11729, G replaced by A.
Protein change: p.Gly3910Glu; replaces glycine 3910 with glutamic acid.
Molecular consequence: missense variant.
Genome position (GRCh38, 1-based): chr2:169,165,961, C>T on the plus strand (G>A on the coding strand, the complement: LRP2 is on the minus strand). VCF-style: chr2-169165961-C-T. GRCh37 (hg19) VCF-style: chr2-170022471-C-T.
Other names: short protein forms G3910E.
Identifiers: ClinVar variation 1358305 (VCV001358305.5), dbSNP rs942147044, ClinGen allele CA59905593.

ClinVar aggregate classification (germline): Uncertain significance (1 of 4 stars; one submission).

Allele frequency attached by ClinVar (database versions not stated): gnomAD exomes below 0.00001; gnomAD 0.00003 and 0.00004; TOPMed 0.00003.
gnomAD v4.1: 6 of 1,613,972 alleles (0.00037%); highest among the groups gnomAD compares: African/African-American, 0.0067%; no homozygotes.

Submission:

Labcorp Genetics (formerly Invitae), Labcorp
Classification: Uncertain significance. Last evaluated: 2022-06-20. Review status: criteria provided, single submitter. Criteria: Invitae Variant Classification Sherloc (09022015). Collection method: clinical testing. Allele origin: germline.
Comment: This sequence change replaces glycine, which is neutral and non-polar, with glutamic acid, which is acidic and polar, at codon 3910 of the LRP2 protein (p.Gly3910Glu). This variant is not present in population databases (gnomAD no frequency). This variant has not been reported in the literature in individuals affected with LRP2-related conditions. Advanced modeling of protein sequence and biophysical properties (such as structural, functional, and spatial information, amino acid conservation, physicochemical variation, residue mobility, and thermodynamic stability) performed at Invitae indicates that this missense variant is expected to disrupt LRP2 protein function. In summary, the available evidence is currently insufficient to determine the role of this variant in disease. Therefore, it has been classified as a Variant of Uncertain Significance.